The following is an entry in ClinVar:

ClinVar aggregate classification (germline): Uncertain significance (1 of 4 stars; one submission).

Allele frequency attached by ClinVar (database versions not stated): gnomAD exomes below 0.00001.
gnomAD v4.1: 2 of 1,550,792 alleles (0.00013%); highest among the groups gnomAD compares: South Asian, 0.0026%; no homozygotes.

Submission:

Ambry Genetics
Classification: Uncertain significance. Last evaluated: 2022-11-18. Review status: criteria provided, single submitter. Criteria: Ambry Variant Classification Scheme 2023. Collection method: clinical testing. Allele origin: germline.
Comment: The p.S1934A variant (also known as c.5800T>G), located in coding exon 18 of the POLQ gene, results from a T to G substitution at nucleotide position 5800. The serine at codon 1934 is replaced by alanine, an amino acid with similar properties. This amino acid position is conserved. In addition, this alteration is predicted to be tolerated by in silico analysis. Since supporting evidence is limited at this time, the clinical significance of this alteration remains unclear.

NM_199420.4(POLQ):c.5800T>G (p.Ser1934Ala)

Gene: POLQ (DNA polymerase theta; minus strand). Cytogenetic location: 3q13.33.
Variant type: single nucleotide variant.
Coding change: c.5800T>G on transcript NM_199420.4 (MANE Select); coding-DNA position 5800, T replaced by G.
Protein change: p.Ser1934Ala; replaces serine 1934 with alanine.
Molecular consequence: missense variant.
Genome position (GRCh38, 1-based): chr3:121,483,556, A>C on the plus strand (T>G on the coding strand, the complement: POLQ is on the minus strand). VCF-style: chr3-121483556-A-C. GRCh37 (hg19) VCF-style: chr3-121202403-A-C.
Other names: short protein forms S1934A.
Identifiers: ClinVar variation 2448911 (VCV002448911.2), dbSNP rs2546781849, ClinGen allele CA354088765.